The following is an entry in ClinVar:

NM_001291088.2(WDR87):c.2989C>T (p.Pro997Ser)

Gene: WDR87 (WD repeat domain 87; minus strand). Cytogenetic location: 19q13.13.
Variant type: single nucleotide variant.
Coding change: c.2989C>T on transcript NM_001291088.2 (MANE Select); coding-DNA position 2989, C replaced by T.
Protein change: p.Pro997Ser; replaces proline 997 with serine.
Molecular consequence: missense variant.
Genome position (GRCh38, 1-based): chr19:37,892,714, G>A on the plus strand (C>T on the coding strand, the complement: WDR87 is on the minus strand). VCF-style: chr19-37892714-G-A. GRCh37 (hg19) VCF-style: chr19-38383354-G-A.
Other names: c.2872C>T, p.Pro958Ser (NM_031951.5); short protein forms P958S, P997S.
Identifiers: ClinVar variation 2037491 (VCV002037491.4), dbSNP rs201774814, ClinGen allele CA9408762.
Genomic context (GRCh38, chr19:37,892,714, plus strand): 5'-TGAGGCTTAGGGTCTTGATCCTCACTCTTTCATCCTTGTCCATTAATCCTTGAGCCAGAG[G>A]CATGGCAAAAAGATGAGTAATCATTCCTAGACGCTTCAGCCCTTCCCAAGCTAGTTCTCG-3'
Protein context (NP_001278017.1, residues 987-1007): LGMITHLFAM[Pro997Ser]LAQGLMDKDE

ClinVar aggregate classification (germline): Uncertain significance (1 of 4 stars; one submission).

Allele frequency attached by ClinVar (database versions not stated): TOPMed 0.00020; ExAC 0.00005; gnomAD exomes 0.00018.

Submission:

Labcorp Genetics (formerly Invitae), Labcorp
Classification: Uncertain significance. Last evaluated: 2023-10-09. Review status: criteria provided, single submitter. Criteria: Invitae Variant Classification Sherloc (09022015). Collection method: clinical testing. Allele origin: germline.
Comment: This sequence change replaces proline, which is neutral and non-polar, with serine, which is neutral and polar, at codon 958 of the WDR87 protein (p.Pro958Ser). This variant is present in population databases (rs201774814, gnomAD 0.04%). This variant has not been reported in the literature in individuals affected with WDR87-related conditions. ClinVar contains an entry for this variant (Variation ID: 2037491). An algorithm developed to predict the effect of missense changes on protein structure and function (PolyPhen-2) suggests that this variant is likely to be disruptive. Algorithms developed to predict the effect of sequence changes on RNA splicing suggest that this variant may create or strengthen a splice site. In summary, the available evidence is currently insufficient to determine the role of this variant in disease. Therefore, it has been classified as a Variant of Uncertain Significance.